The following is an entry in ClinVar:

NM_003846.3(PEX11B):c.6C>T (p.Asp2=)

Gene: PEX11B (peroxisomal biogenesis factor 11 beta; minus strand). Cytogenetic location: 1q21.1.
Variant type: single nucleotide variant.
Coding change: c.6C>T on transcript NM_003846.3 (MANE Select); coding-DNA position 6, C replaced by T.
Protein change: p.Asp2=; no amino-acid change (aspartic acid 2 retained).
Molecular consequence: synonymous variant. On other transcripts: non-coding transcript variant (2).
Genome position (GRCh38, 1-based): chr1:145,918,683, G>A on the plus strand (C>T on the coding strand, the complement: PEX11B is on the minus strand). VCF-style: chr1-145918683-G-A. GRCh37 (hg19) VCF-style: chr1-145516406-C-T.
Identifiers: ClinVar variation 757198 (VCV000757198.33), dbSNP rs371231782, ClinGen allele CA1055462.

ClinVar aggregate classification (germline): Likely benign. Review status: criteria provided, multiple submitters, no conflicts (2 of 4 stars). 3 submissions from 3 submitters: Likely benign (3). Last evaluated 2026-01-11.

Allele frequency attached by ClinVar (database versions not stated): TOPMed 0.00007; gnomAD exomes 0.00011 and 0.00017; ESP Exome Variant Server 0.00015; gnomAD 0.00021 and 0.00022; ExAC 0.00041.
gnomAD v4.1: 190 of 1,576,546 alleles (0.012%); highest among the groups gnomAD compares: South Asian, 0.015%; no homozygotes.

Submissions (3):

Labcorp Genetics (formerly Invitae), Labcorp
Classification: Likely benign. Last evaluated: 2026-01-11. Review status: criteria provided, single submitter. Criteria: Invitae Variant Classification Sherloc (09022015). Collection method: clinical testing. Allele origin: germline.

Blueprint Genetics
Classification: Likely benign. Last evaluated: 2024-10-02. Review status: criteria provided, single submitter. Criteria: ACMG Guidelines, 2015. Collection method: clinical testing. Allele origin: germline.

CeGaT Center for Human Genetics Tuebingen
Classification: Likely benign. Last evaluated: 2024-02-01. Review status: criteria provided, single submitter. Criteria: CeGaT Center For Human Genetics Tuebingen Variant Classification Criteria Version 2. Collection method: clinical testing. Allele origin: germline. Affected: yes. Observed: 2 variant alleles.
Comment: PEX11B: BP4, BP7